The following is an entry in ClinVar:

NM_001376.5(DYNC1H1):c.6486G>A (p.Ser2162=)

Gene: DYNC1H1 (dynein cytoplasmic 1 heavy chain 1; plus strand). Cytogenetic location: 14q32.31.
Variant type: single nucleotide variant.
Coding change: c.6486G>A on transcript NM_001376.5 (MANE Select); coding-DNA position 6486, G replaced by A.
Protein change: p.Ser2162=; no amino-acid change (serine 2162 retained).
Molecular consequence: synonymous variant.
Genome position (GRCh38, 1-based): chr14:102,010,820, G>A. VCF-style: chr14-102010820-G-A. GRCh37 (hg19) VCF-style: chr14-102477157-G-A.
Other names: c.6486G>A (NM_001376.4).
Identifiers: ClinVar variation 1384002 (VCV001384002.9), dbSNP rs149707073, ClinGen allele CA7352631.
Genomic context (GRCh38, chr14:102,010,820, plus strand): 5'-TGAGACGATGGTGCCAAAGCTGGTGGCAGAGGACATCCCGCTGCTCTTCAGCCTCCTGTC[G>A]GACGTGTTCCCTGGAGTCCAGTATCACAGGGGTGAGATGACTGCCCTTCGAGAGGAGCTG-3'
Protein context (NP_001367.2, residues 2152-2172): EDIPLLFSLL[Ser2162=]DVFPGVQYHR

ClinVar aggregate classification (germline): Likely benign. Review status: criteria provided, single submitter (1 of 4 stars). 2 submissions from 2 submitters: Likely benign (1). 1 of the submissions does not count toward it. Last evaluated 2024-02-05.

Conditions:
DYNC1H1-related disorder. Also called: DYNC1H1-related disorders; DYNC1H1-related condition. Identifiers: MedGen CN381529.
Charcot-Marie-Tooth disease axonal type 2O. Also called: CHARCOT-MARIE-TOOTH NEUROPATHY, AXONAL, TYPE 2O; CHARCOT-MARIE-TOOTH DISEASE, AXONAL, AUTOSOMAL DOMINANT, TYPE 2O; Charcot-Marie-Tooth Neuropathy Type 2O; Charcot-Marie-Tooth disease, axonal, type 20. Identifiers: Orphanet 284232, MedGen C3280220, MONDO:0013644, OMIM 614228.

Allele frequency attached by ClinVar (database versions not stated): gnomAD 0.00003 and 0.00004; gnomAD exomes 0.00003; ExAC 0.00005; TOPMed 0.00005; ESP Exome Variant Server 0.00008.
gnomAD v4.1: 23 of 1,614,090 alleles (0.0014%); highest among the groups gnomAD compares: South Asian, 0.011%; no homozygotes.

Submissions (2):

Labcorp Genetics (formerly Invitae), Labcorp
Classification: Likely benign for Charcot-Marie-Tooth disease axonal type 2O. Last evaluated: 2024-02-05. Review status: criteria provided, single submitter. Criteria: Invitae Variant Classification Sherloc (09022015). Collection method: clinical testing. Allele origin: germline.

PreventionGenetics, part of Exact Sciences
Classification: Likely benign for DYNC1H1-related condition. Last evaluated: 2024-07-09. Review status: no assertion criteria provided. Collection method: clinical testing. Allele origin: germline. Not counted in ClinVar's aggregate classification.
Comment: This variant is classified as likely benign based on ACMG/AMP sequence variant interpretation guidelines (Richards et al. 2015 PMID: 25741868, with internal and published modifications).